The following is an entry in ClinVar:

ClinVar aggregate classification (germline): Uncertain significance. Review status: criteria provided, multiple submitters, no conflicts (2 of 4 stars). 2 submissions from 2 submitters: Uncertain significance (2). Last evaluated 2024-01-10.

Conditions:
Orofaciodigital syndrome type 6 (OFD6). Also called: Oral-facial-digital syndrome type 6; Central polydactyly cleft lip/palate or lingual lump and psychomotor retardation; Y-shaped central metacarpal and cerebellar defect; Joubert syndrome with orofacialdigital anomalies; OROFACIODIGITAL SYNDROME VI; OFDS VI. Identifiers: Orphanet 2754, MedGen C2745997, MONDO:0010176, OMIM 277170.
Joubert syndrome 17 (JBTS17). Identifiers: Orphanet 475, MedGen C3553264, MONDO:0013824, OMIM 614615.

Allele frequency attached by ClinVar (database versions not stated): gnomAD 0.00001; gnomAD exomes 0.00001; ExAC 0.00002.
gnomAD v4.1: 5 of 1,614,020 alleles (0.00031%); highest among the groups gnomAD compares: Admixed American, 0.0067%; no homozygotes.

Submissions (2):

Fulgent Genetics
Classification: Uncertain significance for Orofaciodigital syndrome type 6; Joubert syndrome 17. Last evaluated: 2024-01-10. Review status: criteria provided, single submitter. Criteria: ACMG Guidelines, 2015. Collection method: clinical testing. Allele origin: germline.

Labcorp Genetics (formerly Invitae), Labcorp
Classification: Uncertain significance. Last evaluated: 2022-08-05. Review status: criteria provided, single submitter. Criteria: Invitae Variant Classification Sherloc (09022015). Collection method: clinical testing. Allele origin: germline.
Comment: This sequence change replaces glutamine, which is neutral and polar, with arginine, which is basic and polar, at codon 1209 of the CPLANE1 protein (p.Gln1209Arg). This variant is present in population databases (rs762591555, gnomAD 0.009%). This variant has not been reported in the literature in individuals affected with CPLANE1-related conditions. Advanced modeling of protein sequence and biophysical properties (such as structural, functional, and spatial information, amino acid conservation, physicochemical variation, residue mobility, and thermodynamic stability) performed at Invitae indicates that this missense variant is not expected to disrupt CPLANE1 protein function. In summary, the available evidence is currently insufficient to determine the role of this variant in disease. Therefore, it has been classified as a Variant of Uncertain Significance.

NM_001384732.1(CPLANE1):c.3626A>G (p.Gln1209Arg)

Gene: CPLANE1 (ciliogenesis and planar polarity effector complex subunit 1; minus strand). Cytogenetic location: 5p13.2.
Variant type: single nucleotide variant.
Coding change: c.3626A>G on transcript NM_001384732.1 (MANE Select); coding-DNA position 3626, A replaced by G.
Protein change: p.Gln1209Arg; replaces glutamine 1209 with arginine.
Molecular consequence: missense variant.
Genome position (GRCh38, 1-based): chr5:37,198,748, T>C on the plus strand (A>G on the coding strand, the complement: CPLANE1 is on the minus strand). VCF-style: chr5-37198748-T-C. GRCh37 (hg19) VCF-style: chr5-37198850-T-C.
Other names: c.3626A>G (NM_023073.3); c.3626A>G, p.Gln1209Arg (NM_023073.4); short protein forms Q1209R.
Identifiers: ClinVar variation 2082195 (VCV002082195.2), dbSNP rs762591555, ClinGen allele CA3238899.